The following is an entry in ClinVar:

ClinVar aggregate classification (germline): Uncertain significance (1 of 4 stars; one submission).

Conditions:
TWIST1-related craniosynostosis (CRS1). Also called: CRANIOSYNOSTOSIS 1. Identifiers: Orphanet 63440, MedGen C4551902, MONDO:0007399, OMIM 123100. Inheritance: Heterogenous inheritance pattern.

gnomAD v4.1: 33 of 1,613,160 alleles (0.002%); highest among the groups gnomAD compares: Non-Finnish European, 0.0027%; no homozygotes.

Submission:

Labcorp Genetics (formerly Invitae), Labcorp
Classification: Uncertain significance for TWIST1-related craniosynostosis. Last evaluated: 2025-04-30. Review status: criteria provided, single submitter. Criteria: Invitae Variant Classification Sherloc (09022015). Collection method: clinical testing. Allele origin: germline.
Comment: This sequence change replaces proline, which is neutral and non-polar, with leucine, which is neutral and non-polar, at codon 294 of the ERF protein (p.Pro294Leu). This variant is present in population databases (rs746988019, gnomAD 0.002%). This variant has not been reported in the literature in individuals affected with ERF-related conditions. Invitae Evidence Modeling of protein sequence and biophysical properties (such as structural, functional, and spatial information, amino acid conservation, physicochemical variation, residue mobility, and thermodynamic stability) indicates that this missense variant is not expected to disrupt ERF protein function with a negative predictive value of 95%. In summary, the available evidence is currently insufficient to determine the role of this variant in disease. Therefore, it has been classified as a Variant of Uncertain Significance.

NM_006494.4(ERF):c.881C>T (p.Pro294Leu)

Gene: ERF (ETS2 repressor factor; minus strand). Cytogenetic location: 19q13.2.
Variant type: single nucleotide variant.
Coding change: c.881C>T on transcript NM_006494.4 (MANE Select); coding-DNA position 881, C replaced by T.
Protein change: p.Pro294Leu; replaces proline 294 with leucine.
Molecular consequence: missense variant.
Genome position (GRCh38, 1-based): chr19:42,249,231, G>A on the plus strand (C>T on the coding strand, the complement: ERF is on the minus strand). VCF-style: chr19-42249231-G-A. GRCh37 (hg19) VCF-style: chr19-42753383-G-A.
Other names: c.656C>T, p.Pro219Leu (NM_001301035.2, NM_001308402.2, NM_001312656.2 and 1 more transcripts); c.74C>T, p.Pro25Leu (NM_001440421.1); short protein forms P219L, P25L, P294L.
Identifiers: ClinVar variation 4738454 (VCV004738454.1).
Genomic context (GRCh38, chr19:42,249,231, plus strand): 5'-AGGTACCGTTTCATGTCCTCAGGGCTGAAGGAGAAGTGGGAGCCTCCCCCTGAGCCGCTG[G>A]GCCCCCCGCCACCACTGGGGTACATCGGGCTCAGCGTGGGCGAGGGAGTGTAGGCCAGGT-3'
Protein context (NP_006485.2, residues 284-304): SPMYPSGGGG[Pro294Leu]SGSGGGSHFS